The following is an entry in ClinVar:

NM_001354604.2(MITF):c.1189A>G (p.Met397Val)

Gene: MITF (melanocyte inducing transcription factor; plus strand). Cytogenetic location: 3p13.
Variant type: single nucleotide variant.
Coding change: c.1189A>G on transcript NM_001354604.2 (MANE Select); coding-DNA position 1189, A replaced by G.
Protein change: p.Met397Val; replaces methionine 397 with valine.
Molecular consequence: missense variant.
Genome position (GRCh38, 1-based): chr3:69,964,856, A>G. VCF-style: chr3-69964856-A-G. GRCh37 (hg19) VCF-style: chr3-70014007-A-G.
Other names: c.868A>G, p.Met290Val (NM_000248.4); c.1015A>G, p.Met339Val (NM_001184967.2, NM_001354608.2); c.1186A>G, p.Met396Val (NM_001354605.2); c.1168A>G, p.Met390Val (NM_001354606.2, NM_006722.3); c.1120A>G, p.Met374Val (NM_001354607.2); c.850A>G, p.Met284Val (NM_198158.3); c.1171A>G, p.Met391Val (NM_198159.3); c.1123A>G, p.Met375Val (NM_198177.3); and 1 more; short protein forms M284V, M374V, M391V, M228V, M397V, M290V, M339V, M375V.
Identifiers: ClinVar variation 3396325 (VCV003396325.3).
Genomic context (GRCh38, chr3:69,964,856, plus strand): 5'-AGTCCTCTGTGCTCTGCCTATTTCAGTGTTTTATCTTTACTCTTATTATAGGAACTTGAA[A>G]TGCAGGCTCGAGCTCATGGACTTTCCCTTATTCCATCCACGGGTCTCTGCTCTCCAGATT-3'
Protein context (NP_001341533.1, residues 387-407): HLLLRIQELE[Met397Val]QARAHGLSLI

ClinVar aggregate classification (germline): Uncertain significance. Review status: criteria provided, multiple submitters, no conflicts (2 of 4 stars). 2 submissions from 2 submitters: Uncertain significance (2). Last evaluated 2025-04-23.

Conditions:
Hereditary cancer-predisposing syndrome. Also called: Hereditary Cancer Syndrome; Tumor predisposition; Hereditary neoplastic syndrome; Neoplastic Syndromes, Hereditary. Identifiers: Orphanet 140162, MedGen C0027672, MeSH D009386, MONDO:0015356.
Waardenburg syndrome type 2A (WS2A). Also called: WAARDENBURG SYNDROME WITHOUT DYSTOPIA CANTHORUM. Identifiers: Orphanet 3440, MedGen C1860339, MONDO:0008671, OMIM 193510.
Melanoma, cutaneous malignant, susceptibility to, 8. Also called: MELANOMA AND RENAL CELL CARCINOMA, SUSCEPTIBILITY TO; Cutaneous malignant melanoma 8. Identifiers: Orphanet 293822, MedGen C3152204, MONDO:0013759, OMIM 614456.
Tietz syndrome (TADS). Also called: ALBINISM-DEAFNESS OF TIETZ; HYPOPIGMENTATION/DEAFNESS OF TIETZ; TIETZ ALBINISM-DEAFNESS SYNDROME. Identifiers: Orphanet 42665, MedGen C0391816, MONDO:0007077, OMIM 103500.

gnomAD v4.1: 1 of 1,614,126 alleles (0.000062%); highest among the groups gnomAD compares: Non-Finnish European, 0.000085%; no homozygotes.

Submissions (2):

Labcorp Genetics (formerly Invitae), Labcorp
Classification: Uncertain significance for Melanoma, cutaneous malignant, susceptibility to, 8; Waardenburg syndrome type 2A; Tietz syndrome. Last evaluated: 2025-04-23. Review status: criteria provided, single submitter. Criteria: Invitae Variant Classification Sherloc (09022015). Collection method: clinical testing. Allele origin: germline.
Comment: This sequence change replaces methionine, which is neutral and non-polar, with valine, which is neutral and non-polar, at codon 290 of the MITF protein (p.Met290Val). This variant is not present in population databases (gnomAD no frequency). This variant has not been reported in the literature in individuals affected with MITF-related conditions. ClinVar contains an entry for this variant (Variation ID: 3396325). Invitae Evidence Modeling of protein sequence and biophysical properties (such as structural, functional, and spatial information, amino acid conservation, physicochemical variation, residue mobility, and thermodynamic stability) has been performed for this missense variant. However, the output from this modeling did not meet the statistical confidence thresholds required to predict the impact of this variant on MITF protein function. In summary, the available evidence is currently insufficient to determine the role of this variant in disease. Therefore, it has been classified as a Variant of Uncertain Significance.

Ambry Genetics
Classification: Uncertain significance for Hereditary cancer-predisposing syndrome. Last evaluated: 2024-10-04. Review status: criteria provided, single submitter. Criteria: Ambry Variant Classification Scheme 2023. Collection method: clinical testing. Allele origin: germline.
Comment: The p.M290V variant (also known as c.868A>G), located in coding exon 9 of the MITF gene, results from an A to G substitution at nucleotide position 868. The methionine at codon 290 is replaced by valine, an amino acid with highly similar properties. This amino acid position is conserved. In addition, the in silico prediction for this alteration is inconclusive. Based on the available evidence, the clinical significance of this variant remains unclear.